The following is an entry in ClinVar:

NM_004667.6(HERC2):c.13638C>T (p.Thr4546=)

Gene: HERC2 (HECT and RLD domain containing E3 ubiquitin protein ligase 2; minus strand). Cytogenetic location: 15q13.1.
Variant type: single nucleotide variant.
Coding change: c.13638C>T on transcript NM_004667.6 (MANE Select); coding-DNA position 13638, C replaced by T.
Protein change: p.Thr4546=; no amino-acid change (threonine 4546 retained).
Molecular consequence: synonymous variant.
Genome position (GRCh38, 1-based): chr15:28,115,513, G>A on the plus strand (C>T on the coding strand, the complement: HERC2 is on the minus strand). VCF-style: chr15-28115513-G-A. GRCh37 (hg19) VCF-style: chr15-28360659-G-A.
Other names: c.13638C>T (NM_004667.5).
Identifiers: ClinVar variation 2645033 (VCV002645033.25), dbSNP rs139713317, ClinGen allele CA7439889.

ClinVar aggregate classification (germline): Likely benign. Review status: criteria provided, multiple submitters, no conflicts (2 of 4 stars). 3 submissions from 3 submitters: Likely benign (2). 1 of the submissions does not count toward it. Last evaluated 2026-03-01.

Conditions:
HERC2-related disorder. Also called: HERC2-related condition.

Allele frequency attached by ClinVar (database versions not stated): ExAC 0.00094; gnomAD 0.00292; 1000 Genomes Project 0.00339; 1000 Genomes Project 30x 0.00344; ESP Exome Variant Server 0.00346; TOPMed 0.00346.
gnomAD v4.1: 825 of 1,613,882 alleles (0.051%); highest among the groups gnomAD compares: African/African-American, 0.96%; 2 homozygotes.

Submissions (3):

CeGaT Center for Human Genetics Tuebingen
Classification: Likely benign. Last evaluated: 2026-03-01. Review status: criteria provided, single submitter. Criteria: CeGaT Center For Human Genetics Tuebingen Variant Classification Criteria Version 2. Collection method: clinical testing. Allele origin: germline. Affected: yes. Observed: 3 variant alleles.
Comment: HERC2: BP4, BP7

Blueprint Genetics
Classification: Likely benign. Last evaluated: 2024-10-29. Review status: criteria provided, single submitter. Criteria: ACMG Guidelines, 2015. Collection method: clinical testing. Allele origin: germline.

PreventionGenetics, part of Exact Sciences
Classification: Benign for HERC2-related condition. Last evaluated: 2024-08-22. Review status: no assertion criteria provided. Collection method: clinical testing. Allele origin: germline. Not counted in ClinVar's aggregate classification.
Comment: This variant is classified as benign based on ACMG/AMP sequence variant interpretation guidelines (Richards et al. 2015 PMID: 25741868, with internal and published modifications).